The following is an entry in ClinVar:

ClinVar aggregate classification (germline): Uncertain significance (1 of 4 stars; one submission).

gnomAD v4.1: 1 of 1,610,782 alleles (0.000062%); no homozygotes.

Submission:

Labcorp Genetics (formerly Invitae), Labcorp
Classification: Uncertain significance. Last evaluated: 2019-06-04. Review status: criteria provided, single submitter. Criteria: Invitae Variant Classification Sherloc (09022015). Collection method: clinical testing. Allele origin: germline.
Comment: In summary, the available evidence is currently insufficient to determine the role of this variant in disease. Therefore, it has been classified as a Variant of Uncertain Significance. Nucleotide substitutions within the consensus splice site are a relatively common cause of aberrant splicing (PMID: 17576681, 9536098). Algorithms developed to predict the effect of sequence changes on RNA splicing suggest that this variant may disrupt the consensus splice site, but this prediction has not been confirmed by published transcriptional studies. Algorithms developed to predict the effect of missense changes on protein structure and function do not agree on the potential impact of this missense change (SIFT: "Deleterious"; PolyPhen-2: "Probably Damaging"; Align-GVGD: "Class C15"). This variant has not been reported in the literature in individuals with A2ML1-related disease. This variant is not present in population databases (ExAC no frequency). This sequence change replaces glycine with cysteine at codon 324 of the A2ML1 protein (p.Gly324Cys). The glycine residue is moderately conserved and there is a large physicochemical difference between glycine and cysteine. This variant also falls at the last nucleotide of exon 9 of the A2ML1 coding sequence, which is part of the consensus splice site for this exon.

Literature cited by the submitters: PubMed 17576681; PubMed 9536098.

NM_144670.6(A2ML1):c.970G>T (p.Gly324Cys)

Gene: A2ML1 (alpha-2-macroglobulin like 1; plus strand). Cytogenetic location: 12p13.31.
Variant type: single nucleotide variant.
Coding change: c.970G>T on transcript NM_144670.6 (MANE Select); coding-DNA position 970, G replaced by T.
Protein change: p.Gly324Cys; replaces glycine 324 with cysteine.
Molecular consequence: missense variant.
Genome position (GRCh38, 1-based): chr12:8,838,450, G>T. VCF-style: chr12-8838450-G-T. GRCh37 (hg19) VCF-style: chr12-8991046-G-T.
Other names: short protein forms G324C.
Identifiers: ClinVar variation 945401 (VCV000945401.9), dbSNP rs1943358684, ClinGen allele CA383823513.
Genomic context (GRCh38, chr12:8,838,450, plus strand): 5'-ATTGGATATGCGTACAGCCATCAAATCAATATTGTGGCTACTGTTGTGGAGGAAGGGACA[G>T]GTAAGTAGGGTGCTCCTTGGCTCATTAAGAAAAGAGAAAGAAAAAGGGCTGGTCCCAGGG-3'
Protein context (NP_653271.3, residues 314-334): IVATVVEEGT[Gly324Cys]VEANATQNIY